The following is an entry in ClinVar:

ClinVar aggregate classification (germline): Likely pathogenic (1 of 4 stars; one submission).

Conditions:
Autosomal recessive limb-girdle muscular dystrophy type 2J (LGMDR10). Also called: Limb-girdle muscular dystrophy, type 2J; MUSCULAR DYSTROPHY, LIMB-GIRDLE, AUTOSOMAL RECESSIVE 10. Identifiers: Orphanet 140922, MedGen C1837342, MONDO:0012127, OMIM 608807.
Dilated cardiomyopathy 1G (CMD1G). Identifiers: Orphanet 154, MedGen C1858763, MONDO:0011400, OMIM 604145.

gnomAD v4.1: 1 of 1,613,896 alleles (0.000062%); highest among the groups gnomAD compares: Admixed American, 0.0017%; no homozygotes.

Submission:

Labcorp Genetics (formerly Invitae), Labcorp
Classification: Likely pathogenic for Dilated cardiomyopathy 1G; Autosomal recessive limb-girdle muscular dystrophy type 2J. Last evaluated: 2025-07-21. Review status: criteria provided, single submitter. Criteria: Invitae Variant Classification Sherloc (09022015). Collection method: clinical testing. Allele origin: germline.
Comment: This sequence change creates a premature translational stop signal (p.Tyr34510*) in the TTN gene. While this is not anticipated to result in nonsense mediated decay, it is expected to create a truncated TTN protein. This variant is not present in population databases (gnomAD no frequency). This variant has not been reported in the literature in individuals affected with TTN-related conditions. ClinVar contains an entry for this variant (Variation ID: 3760721). This variant is located in the M band of TTN (PMID: 25589632). Truncating variants in this region have been previously reported in individuals affected with autosomal dominant or autosomal recessive myopathy and muscular dystrophy (PMID: 18948003, 23975875, 24395473). Truncating variants in this region have also been identified in individuals affected with autosomal dominant dilated cardiomyopathy and/or cardio-related conditions (PMID: 27869827, 32964742, internal data). In summary, the currently available evidence indicates that the variant is pathogenic, but additional data are needed to prove that conclusively. Therefore, this variant has been classified as Likely Pathogenic.

Literature cited by the submitters: PubMed 25589632; PubMed 18948003; PubMed 23975875; PubMed 24395473; PubMed 27869827; PubMed 32964742.

NM_001267550.2(TTN):c.103530T>A (p.Tyr34510Ter)

Genes: TTN-AS1 (TTN antisense RNA 1; plus strand), TTN (titin; minus strand). Cytogenetic location: 2q31.2.
Variant type: single nucleotide variant.
Coding change: c.103530T>A on transcript NM_001267550.2 (MANE Select); coding-DNA position 103530, T replaced by A.
Protein change: p.Tyr34510Ter; replaces tyrosine 34510 with a stop codon.
Molecular consequence: nonsense.
Genome position (GRCh38, 1-based): chr2:178,533,085, A>T on the plus strand (T>A on the coding strand, the complement: TTN is on the minus strand). VCF-style: chr2-178533085-A-T. GRCh37 (hg19) VCF-style: chr2-179397812-A-T.
Other names: c.98607T>A, p.Tyr32869Ter (NM_001256850.1); c.76335T>A, p.Tyr25445Ter (NM_003319.4); c.95826T>A, p.Tyr31942Ter (NM_133378.4); c.76710T>A, p.Tyr25570Ter (NM_133432.3); c.76911T>A, p.Tyr25637Ter (NM_133437.4); short protein forms Y25445*, Y25570*, Y25637*, Y31942*, Y32869*, Y34510*.
Identifiers: ClinVar variation 3760721 (VCV003760721.2).